The following is an entry in ClinVar:

ClinVar aggregate classification (germline): Uncertain significance (1 of 4 stars; one submission).

Conditions:
Hereditary cancer-predisposing syndrome. Also called: Neoplastic Syndromes, Hereditary; Tumor predisposition; Hereditary neoplastic syndrome; Hereditary Cancer Syndrome. Identifiers: Orphanet 140162, MedGen C0027672, MeSH D009386, MONDO:0015356.

Submission:

Ambry Genetics
Classification: Uncertain significance for Hereditary cancer-predisposing syndrome. Last evaluated: 2024-06-03. Review status: criteria provided, single submitter. Criteria: Ambry Variant Classification Scheme 2023. Collection method: clinical testing. Allele origin: germline.
Comment: The p.L366V variant (also known as c.1096T>G), located in coding exon 9 of the POT1 gene, results from a T to G substitution at nucleotide position 1096. The leucine at codon 366 is replaced by valine, an amino acid with highly similar properties. This amino acid position is conserved. In addition, this alteration is predicted to be tolerated by in silico analysis. Based on the available evidence, the clinical significance of this variant remains unclear.

NM_015450.3(POT1):c.1096T>G (p.Leu366Val)

Gene: POT1 (protection of telomeres 1; minus strand). Cytogenetic location: 7q31.33.
Variant type: single nucleotide variant.
Coding change: c.1096T>G on transcript NM_015450.3 (MANE Select); coding-DNA position 1096, T replaced by G.
Protein change: p.Leu366Val; replaces leucine 366 with valine.
Molecular consequence: missense variant. On other transcripts: non-coding transcript variant (3).
Genome position (GRCh38, 1-based): chr7:124,842,874, A>C on the plus strand (T>G on the coding strand, the complement: POT1 is on the minus strand). VCF-style: chr7-124842874-A-C. GRCh37 (hg19) VCF-style: chr7-124482928-A-C.
Other names: c.703T>G, p.Leu235Val (NM_001042594.2); short protein forms L235V, L366V.
Identifiers: ClinVar variation 3308978 (VCV003308978.1).